The following is an entry in ClinVar:

NM_001202.6(BMP4):c.262C>T (p.Arg88Trp)

Gene: BMP4 (bone morphogenetic protein 4; minus strand). Cytogenetic location: 14q22.2.
Variant type: single nucleotide variant.
Coding change: c.262C>T on transcript NM_001202.6 (MANE Select); coding-DNA position 262, C replaced by T.
Protein change: p.Arg88Trp; replaces arginine 88 with tryptophan.
Molecular consequence: missense variant.
Genome position (GRCh38, 1-based): chr14:53,951,961, G>A on the plus strand (C>T on the coding strand, the complement: BMP4 is on the minus strand). VCF-style: chr14-53951961-G-A. GRCh37 (hg19) VCF-style: chr14-54418679-G-A.
Other names: c.403C>T, p.Arg135Trp (NM_001347912.1); c.73C>T, p.Arg25Trp (NM_001347913.2, NM_001347915.2, NM_001347917.1); c.262C>T, p.Arg88Trp (NM_001347914.2, NM_001347916.1, NM_130850.5 and 1 more transcripts); short protein forms R25W, R135W, R88W.
Identifiers: ClinVar variation 2945457 (VCV002945457.3), dbSNP rs1301153846, ClinGen allele CA389785231.

ClinVar aggregate classification (germline): Uncertain significance (1 of 4 stars; one submission).

Conditions:
Microphthalmia with brain and digit anomalies (MCOPS6). Also called: MICROPHTHALMIA AND PITUITARY ANOMALIES; Microphthalmia, syndromic 6. Identifiers: Orphanet 139471, MedGen C1864689, MONDO:0011936, OMIM 607932.
Orofacial cleft 11 (OFC11). Also called: Orofacial cleft 11; ofc11; CLEFT LIP WITH OR WITHOUT CLEFT PALATE, NONSYNDROMIC, 11. Identifiers: MedGen C2677434, MONDO:0010906, OMIM 600625.

Allele frequency attached by ClinVar (database versions not stated): gnomAD exomes below 0.00001; gnomAD 0.00002; TOPMed 0.00002.

Submission:

Labcorp Genetics (formerly Invitae), Labcorp
Classification: Uncertain significance for Microphthalmia with brain and digit anomalies; Orofacial cleft 11. Last evaluated: 2025-06-12. Review status: criteria provided, single submitter. Criteria: Invitae Variant Classification Sherloc (09022015). Collection method: clinical testing. Allele origin: germline.
Comment: This sequence change replaces arginine, which is basic and polar, with tryptophan, which is neutral and slightly polar, at codon 88 of the BMP4 protein (p.Arg88Trp). This variant is present in population databases (no rsID available, gnomAD 0.004%). This variant has not been reported in the literature in individuals affected with BMP4-related conditions. ClinVar contains an entry for this variant (Variation ID: 2945457). Invitae Evidence Modeling of protein sequence and biophysical properties (such as structural, functional, and spatial information, amino acid conservation, physicochemical variation, residue mobility, and thermodynamic stability) indicates that this missense variant is not expected to disrupt BMP4 protein function with a negative predictive value of 80%. In summary, the available evidence is currently insufficient to determine the role of this variant in disease. Therefore, it has been classified as a Variant of Uncertain Significance.